The following is an entry in ClinVar:

NM_138387.4(G6PC3):c.998A>G (p.His333Arg)

Gene: G6PC3 (glucose-6-phosphatase catalytic subunit 3; plus strand). Cytogenetic location: 17q21.31.
Variant type: single nucleotide variant.
Coding change: c.998A>G on transcript NM_138387.4 (MANE Select); coding-DNA position 998, A replaced by G.
Protein change: p.His333Arg; replaces histidine 333 with arginine.
Molecular consequence: missense variant. On other transcripts: 3 prime UTR variant (1).
Genome position (GRCh38, 1-based): chr17:44,076,000, A>G. VCF-style: chr17-44076000-A-G. GRCh37 (hg19) VCF-style: chr17-42153368-A-G.
Other names: c.*291A>G (NM_001319945.2); c.653A>G, p.His218Arg (NM_001384165.1, NM_001384166.1, NM_001384167.1 and 1 more transcripts); short protein forms H218R, H333R.
Identifiers: ClinVar variation 5022091 (VCV005022091.1).

ClinVar aggregate classification (germline): Uncertain significance (1 of 4 stars; one submission).

Conditions:
Inborn genetic diseases. Identifiers: MedGen C0950123, MeSH D030342.

Submission:

Ambry Genetics
Classification: Uncertain significance for Inborn genetic diseases. Last evaluated: 2026-07-16. Review status: criteria provided, single submitter. Criteria: Ambry Variant Classification Scheme 2023. Collection method: clinical testing. Allele origin: germline.
Comment: The p.H333R variant (also known as c.998A>G), located in coding exon 6 of the G6PC3 gene, results from an A to G substitution at nucleotide position 998. The histidine at codon 333 is replaced by arginine, an amino acid with highly similar properties. This amino acid position is conserved. In addition, this alteration is predicted to be tolerated by in silico analysis. Based on the available evidence, the clinical significance of this variant remains unclear.